The following is an entry in ClinVar:

ClinVar aggregate classification (germline): Likely benign (1 of 4 stars; one submission).

gnomAD v4.1: 4 of 151,382 alleles (0.0026%); highest among the groups gnomAD compares: Non-Finnish European, 0.0059%; no homozygotes.

Submission:

CeGaT Center for Human Genetics Tuebingen
Classification: Likely benign. Last evaluated: 2025-09-01. Review status: criteria provided, single submitter. Criteria: CeGaT Center For Human Genetics Tuebingen Variant Classification Criteria Version 2. Collection method: clinical testing. Allele origin: germline. Affected: yes. Observed: 1 variant allele.
Comment: GNAS: BP4, BP7

NM_080425.4(GNAS):c.2069-5240G>A

Gene: GNAS (GNAS complex locus; plus strand). Cytogenetic location: 20q13.32.
Variant type: single nucleotide variant.
Coding change: c.2069-5240G>A on transcript NM_080425.4 (MANE Plus Clinical); 5240 bases into the intron before coding-DNA position 2069, G replaced by A.
Molecular consequence: intron variant.
Genome position (GRCh38, 1-based): chr20:58,890,372, G>A. VCF-style: chr20-58890372-G-A. GRCh37 (hg19) VCF-style: chr20-57465427-G-A.
Other names: c.-39+1040G>A (NM_001438274.1, NM_001439291.1); c.-39+1019G>A (NM_001309840.2, NM_001438273.1); c.*159-5240G>A (NM_001309883.1); c.*43-5240G>A (NM_016592.5); c.44-5240G>A (NM_001410912.1); c.-38-5240G>A (NM_001309861.2); c.*1-5240G>A (NM_001077490.3); c.2069-5240G>A (NM_001410913.1).
Identifiers: ClinVar variation 4281189 (VCV004281189.7).
Genomic context (GRCh38, chr20:58,890,372, plus strand): 5'-GGGCGCCGAGGAGGGCGCCGCCGCCGGGGGCACGAGTAGGGCCTGGGCTGACTGGGACAC[G>A]GACTCGAGCGACGAGGACGACGCCTACTACGCGGCGCCGCGCGTTGGGGGCATCGTGTGG-3'